The following is an entry in ClinVar:

NM_001329943.3(KIAA0586):c.4365C>G (p.His1455Gln)

Gene: KIAA0586 (KIAA0586; plus strand). Cytogenetic location: 14q23.1.
Variant type: single nucleotide variant.
Coding change: c.4365C>G on transcript NM_001329943.3 (MANE Select); coding-DNA position 4365, C replaced by G.
Protein change: p.His1455Gln; replaces histidine 1455 with glutamine.
Molecular consequence: missense variant.
Genome position (GRCh38, 1-based): chr14:58,512,563, C>G. VCF-style: chr14-58512563-C-G. GRCh37 (hg19) VCF-style: chr14-58979281-C-G.
Other names: c.4524C>G, p.His1508Gln (NM_001244189.2); c.4320C>G, p.His1440Gln (NM_001244190.2); c.4110C>G, p.His1370Gln (NM_001244191.2, NM_001329945.2, NM_001364700.1 and 1 more transcripts); c.4233C>G, p.His1411Gln (NM_001244192.2, NM_001329947.2); c.3945C>G, p.His1315Gln (NM_001244193.2); c.4365C>G, p.His1455Gln (NM_001329944.2, NM_001329946.2); c.4137C>G, p.His1379Gln (NM_014749.5); short protein forms H1379Q, H1508Q, H1315Q, H1411Q, H1440Q, H1455Q, H1370Q.
Identifiers: ClinVar variation 1383994 (VCV001383994.3), dbSNP rs1051498929, ClinGen allele CA262034272.
Genomic context (GRCh38, chr14:58,512,563, plus strand): 5'-CATATCTTAAATTATTTAGTACCAACTAAAGCAAAATCAGGATGTTAAGCAAGTTGAACA[C>G]AAACCATCACAAAGTTACCTACGTGTTAGAAATAAATCTGATATTGCACCTTCACAGCAA-3'
Protein context (NP_001316872.1, residues 1445-1465): KQNQDVKQVE[His1455Gln]KPSQSYLRVR

ClinVar aggregate classification (germline): Uncertain significance (1 of 4 stars; one submission).

Conditions:
Joubert syndrome 23 (JBTS23). Identifiers: Orphanet 475, MedGen C4084822, MONDO:0014664, OMIM 616490.
Short-rib thoracic dysplasia 14 with polydactyly (SRTD14). Identifiers: Orphanet 397715, MedGen C4225286, MONDO:0014688, OMIM 616546.

Allele frequency attached by ClinVar (database versions not stated): TOPMed below 0.00001; gnomAD exomes 0.00001.
gnomAD v4.1: 7 of 1,544,222 alleles (0.00045%); highest among the groups gnomAD compares: Non-Finnish European, 0.00061%; no homozygotes.

Submission:

Labcorp Genetics (formerly Invitae), Labcorp
Classification: Uncertain significance for Joubert syndrome 23; Short-rib thoracic dysplasia 14 with polydactyly. Last evaluated: 2021-11-21. Review status: criteria provided, single submitter. Criteria: Invitae Variant Classification Sherloc (09022015). Collection method: clinical testing. Allele origin: germline.
Comment: This sequence change replaces histidine, which is basic and polar, with glutamine, which is neutral and polar, at codon 1508 of the KIAA0586 protein (p.His1508Gln). This variant is present in population databases (no rsID available, gnomAD 0.001%). This variant has not been reported in the literature in individuals affected with KIAA0586-related conditions. Algorithms developed to predict the effect of missense changes on protein structure and function (SIFT, PolyPhen-2, Align-GVGD) all suggest that this variant is likely to be tolerated. In summary, the available evidence is currently insufficient to determine the role of this variant in disease. Therefore, it has been classified as a Variant of Uncertain Significance.